The following continues an entry in ClinVar:

NM_004562.3(PRKN):c.823C>T (p.Arg275Trp)

Gene: PRKN. ClinVar aggregate classification (germline): Pathogenic/Likely pathogenic. Pathogenic (34); Likely pathogenic (1).

Submissions 26 to 37 of 37:

Victorian Clinical Genetics Services, Murdoch Childrens Research Institute
Classification: Pathogenic for Autosomal recessive juvenile Parkinson disease 2. Last evaluated: 2020-05-21. Review status: criteria provided, single submitter. Criteria: ACMG Guidelines, 2015. Collection method: clinical testing. Allele origin: germline. Affected: yes.
Comment: A heterozygous missense variant was identified, NM_004562.2(PRKN):c.823C>T in exon 7 of 12 of the PRKN gene. This substitution is predicted to create a major amino acid change from an arginine to a tryptophan at position 275 of the protein; NP_004553.2(PRKN):p.(Arg275Trp). The arginine at this position has very high conservation (100 vertebrates, UCSC), and is located within the RING finger 1 domain (NCBI, PDB, UniProt). In silico software predicts this variant to be damaging (Polyphen, SIFT, CADD, Mutation Taster). The variant is present in the gnomAD population database at a frequency of 0.2% (557 heterozygotes, 0 homozygotes). This variant has been previously reported as pathogenic and segregated with disease in multiple families with early onset Parkinson’s disease (ClinVar). In addition, functional studies show that this variant causes an aggregation of mutant Parkin protein as large cytoplasmic and nuclear inclusions (Cookson, MR. et al. (2003)) and disrupts glutamatergic synaptic transmission in hippocampal neurons (Zhu, M. et al. (2018)). Based on information available at the time of curation, this variant has been classified as PATHOGENIC.

CENTOGENE GmbH and LLC - Guiding Precision Medicine
Classification: Pathogenic for Autosomal recessive juvenile Parkinson disease 2. Last evaluated: 2019-11-18. Review status: criteria provided, single submitter. Criteria: ACMG Guidelines, 2015. Collection method: clinical testing. Allele origin: germline. Affected: yes.

Genetic Services Laboratory, University of Chicago
Classification: Pathogenic. Last evaluated: 2019-08-05. Review status: criteria provided, single submitter. Criteria: ACMG Guidelines, 2015. Collection method: clinical testing. Allele origin: germline. Affected: yes.
Comment: DNA sequence analysis of the CLN5 gene demonstrated a sequence change, c.556G>A in exon 3, results in an amino acid change, p.Glu186Lys. This sequence change does not appear to have been previously described in patients with CLN5-related disorders and has also not been described as a known benign sequence change in the CLN5 gene. The p.Glu186Lys change affects a highly conserved amino acid residue located in a domain of the CLN5 protein that is not known to be functional. The p.Glu186Lys substitution appears to be possibly damaging using several in-silico pathogenicity prediction tools (SIFT, CADD, Align GVGD, REVEL).

Institute of Human Genetics Munich, TUM University Hospital
Classification: Pathogenic for Autosomal recessive juvenile Parkinson disease 2. Last evaluated: 2019-06-07. Review status: criteria provided, single submitter. Criteria: Classification criteria August 2017. Collection method: clinical testing. Allele origin: germline. Inheritance: Autosomal recessive inheritance. Affected: yes. Observed: 1 compound heterozygote.

Centre for Mendelian Genomics, University Medical Centre Ljubljana
Classification: Pathogenic. Last evaluated: 2019-04-24. Review status: criteria provided, single submitter. Criteria: ACMG Guidelines, 2015. Collection method: clinical testing. Allele origin: unknown. Affected: yes.
Comment: This variant was classified as: Pathogenic. The following ACMG criteria were applied in classifying this variant: PS1,PS3,PM3,PP3.

Fulgent Genetics
Classification: Pathogenic for Ovarian cancer; Lung cancer; Autosomal recessive juvenile Parkinson disease 2; Leprosy, susceptibility to, 2. Last evaluated: 2018-10-31. Review status: criteria provided, single submitter. Criteria: ACMG Guidelines, 2015. Collection method: clinical testing. Allele origin: unknown.

Illumina Laboratory Services, Illumina
Classification: Pathogenic for Autosomal recessive juvenile Parkinson disease 2. Last evaluated: 2017-10-24. Review status: criteria provided, single submitter. Criteria: ICSL Variant Classification Criteria 09 May 2019. Collection method: clinical testing. Allele origin: germline.
Comment: The PARK2 c.823C>T (p.Arg275Trp) missense variant is well described as one of the most common PARK2 variants (Hedrich et al. 2004; Mitsuyama et al. 2015). The p.Arg275Trp variant has been reported in at least nine studies in which it was found in over 102 patients with Parkinson disease (primarily with an early-onset phenotype) including one in a homozygous state, 12 in a compound heterozygous state, and 13 in a heterozygous state. Details of zygosity were not given for the remaining individuals (Abbas et al. 1999; Farrer et al. 2001; Lohmann et al. 2003; Hedrich et al. 2004; Klein et al. 2005; Lesage et al. 2008; Li H et al. 2014; Huttenlocher et al. 2015; Mitsuyama et al. 2015). The variant was also found in a heterozygous state in six unaffected individuals and five of 416 controls, while two additional controls were compound heterozygous for the p.Arg275Trp variant and a CNV in the PARK2 gene. The p.Arg275Trp variant is reported at a frequency of 0.0031 in the European (non-Finnish) population of the Exome Aggregation Consortium. Functional studies showed that the variant protein forms intracellular aggregates, is unable to degrade substrates, and results in mitochondrial impairment, in particular reduction in ATP cellular levels (Cookson et al. 2003; Sriram et al. 2005; Zanellati et al. 2015). Based on the collective evidence, the p.Arg275Trp variant is classified as pathogenic for juvenile-onset Parkinson disease. This variant was observed by ICSL as part of a predisposition screen in an ostensibly healthy population.

Center for Pediatric Genomic Medicine, Children's Mercy Hospital and Clinics
Classification: Pathogenic. Last evaluated: 2017-04-18. Review status: criteria provided, single submitter. Criteria: ACMG Guidelines, 2015. Collection method: clinical testing. Allele origin: germline.

Imagene.me medical diagnostic laboratory, IMAGENE.ME SA
Classification: Pathogenic for Autosomal recessive juvenile Parkinson disease 2. Review status: criteria provided, single submitter. Criteria: IMAGENE.ME Variant Classification SOP 2022. Collection method: clinical testing. Allele origin: germline.
Comment: Classified according to the IMAGENE.ME variant classification SOP based on the ACMG guidelines as Pathogenic (P): PS3 + PP1_Strong + PP3 + PM1_Supporting

Institute of Human Genetics, University Hospital of Duesseldorf
Classification: Pathogenic for Parkinson disease 12. Review status: criteria provided, single submitter. Criteria: ACMG Guidelines, 2015. Collection method: not provided. Allele origin: germline. Inheritance: Autosomal recessive inheritance. Affected: yes.

Solve-RD Consortium
Classification: Likely pathogenic for Ovarian cancer. Last evaluated: 2022-06-01. Review status: no assertion criteria provided. Collection method: provider interpretation. Allele origin: inherited. Affected: yes. Not counted in ClinVar's aggregate classification.
Comment: Variant confirmed as disease-causing by referring clinical team

Variant identified during reanalysis of unsolved cases by the Solve-RD project. The Solve-RD project has received funding from the European Union’s Horizon 2020 research and innovation programme under grant agreement No 779257.

OMIM
Classification: Pathogenic for PARKINSON DISEASE 2, AUTOSOMAL RECESSIVE JUVENILE. Last evaluated: 2005-09-01. Review status: no assertion criteria provided. Collection method: literature only. Allele origin: germline. Not counted in ClinVar's aggregate classification.

Literature cited by the submitters: PubMed 10072423 (cited by 7 submitters); PubMed 12730996 (cited by 5 submitters); PubMed 15390068 (cited by 6 submitters); PubMed 19162522 (cited by 5 submitters); PubMed 22118943 (cited by 3 submitters); PubMed 22555654 (cited by 6 submitters); PubMed 24082139 (cited by 3 submitters); PubMed 26836416 (cited by 4 submitters); PubMed 11889248 (cited by 4 submitters); PubMed 12891670 (cited by 6 submitters); PubMed 24831986 (cited by 6 submitters); PubMed 14519684 (cited by 10 submitters); PubMed 16049031 (cited by 8 submitters); PubMed 16714300 (cited by 4 submitters); PubMed 19636047 (cited by 4 submitters); PubMed 20457763 (cited by Labcorp Genetics (formerly Invitae), Labcorp and AiLife Diagnostics); PubMed 25939424 (cited by 5 submitters); PubMed 32970363 (cited by 3 submitters); PubMed 35747619 (cited by Mayo Clinic Laboratories, Mayo Clinic); PubMed 30200940 (cited by 3 submitters); PubMed 30537300 (cited by Athena Diagnostics); PubMed 30994895 (cited by Athena Diagnostics and Women's Health and Genetics/Laboratory Corporation of America, LabCorp); PubMed 33045815 (cited by Athena Diagnostics); PubMed 33845304 (cited by Athena Diagnostics); PubMed 27294386 (cited by Athena Diagnostics and Laboratory for Molecular Medicine, Mass General Brigham Personalized Medicine); PubMed 27182553 (cited by Athena Diagnostics and Laboratory for Molecular Medicine, Mass General Brigham Personalized Medicine); PubMed 17766365 (cited by Athena Diagnostics and Illumina Laboratory Services, Illumina); PubMed 15970950 (cited by 3 submitters); PubMed 11558785 (cited by Athena Diagnostics and Illumina Laboratory Services, Illumina); PubMed 35954270 (cited by Women's Health and Genetics/Laboratory Corporation of America, LabCorp); PubMed 12764051 (cited by Women's Health and Genetics/Laboratory Corporation of America, LabCorp); PubMed 33497488 (cited by Women's Health and Genetics/Laboratory Corporation of America, LabCorp); PubMed 20558392 (cited by Women's Health and Genetics/Laboratory Corporation of America, LabCorp); PubMed 12114481 (cited by Women's Health and Genetics/Laboratory Corporation of America, LabCorp); PubMed 35640906 (cited by Women's Health and Genetics/Laboratory Corporation of America, LabCorp); PubMed 25591737 (cited by AiLife Diagnostics and Laboratory for Molecular Medicine, Mass General Brigham Personalized Medicine); PubMed 30609409 (cited by AiLife Diagnostics); PubMed 19801972 (cited by AiLife Diagnostics and Laboratory for Molecular Medicine, Mass General Brigham Personalized Medicine); PubMed 26764160 (cited by AiLife Diagnostics); PubMed 20798600 (cited by AiLife Diagnostics); PubMed 26683220 (cited by AiLife Diagnostics); PubMed 29353703 (cited by AiLife Diagnostics); PubMed 31409571 (cited by AiLife Diagnostics); PubMed 24647965 (cited by Molecular Genetics, Royal Melbourne Hospital); PubMed 25815004 (cited by Laboratory for Molecular Medicine, Mass General Brigham Personalized Medicine and Illumina Laboratory Services, Illumina); PubMed 25907632 (cited by Laboratory for Molecular Medicine, Mass General Brigham Personalized Medicine and Illumina Laboratory Services, Illumina); PubMed 23531835 (cited by Laboratory for Molecular Medicine, Mass General Brigham Personalized Medicine); PubMed 26855076 (cited by Laboratory for Molecular Medicine, Mass General Brigham Personalized Medicine); PubMed 26188007 (cited by Illumina Laboratory Services, Illumina); PubMed 39825153 (cited by Solve-RD Consortium); PubMed 39350737 (cited by OMIM).